The following is an entry in ClinVar:

ClinVar aggregate classification (germline): Conflicting classifications of pathogenicity. Review status: criteria provided, conflicting classifications (1 of 4 stars). 3 submissions from 3 submitters: Uncertain significance (1); Likely benign (2). Last evaluated 2025-06-25.

Allele frequency attached by ClinVar (database versions not stated): gnomAD exomes below 0.00001; ExAC 0.00001; gnomAD 0.00014 and 0.00017; 1000 Genomes Project 30x 0.00016; 1000 Genomes Project 0.00020; TOPMed 0.00046.
gnomAD v4.1: 49 of 1,553,192 alleles (0.0032%); highest among the groups gnomAD compares: Admixed American, 0.05%; no homozygotes.

Submissions (3):

GeneDx
Classification: Likely benign. Last evaluated: 2025-06-25. Review status: criteria provided, single submitter. Criteria: GeneDx Variant Classification Process June 2021. Collection method: clinical testing. Allele origin: germline. Affected: yes.
Comment: See Variant Classification Assertion Criteria.

Blueprint Genetics
Classification: Likely benign. Last evaluated: 2023-10-12. Review status: criteria provided, single submitter. Criteria: ACMG Guidelines, 2015. Collection method: clinical testing. Allele origin: germline.

Laboratory for Molecular Medicine, Mass General Brigham Personalized Medicine
Classification: Uncertain significance. Last evaluated: 2017-09-04. Review status: criteria provided, single submitter. Criteria: LMM Criteria. Collection method: clinical testing. Allele origin: germline. Inheritance: Autosomal recessive inheritance. Observed: 1 variant allele.
Comment: Variant classified as Uncertain Significance - Favor Benign. The c.*2G>A variant in MARVELD2 has not been previously reported in individuals or any other famili es with non-syndromic hearing loss. This variant has been identified in 1/33384 Latino chromosomes by the Genome Aggregation Database (gnomAD; dbSNP rs530892254). This variant is located in the 3' UTR, and it is unknown whether this variant could impact the protein. Of note, an adenin e (A) nucleotide is present in 9 mammals. In summary, while the clinical signifi cance of the c.*2G>A variant is uncertain, these data suggest that it is more li kely to be benign.

NM_001038603.3(MARVELD2):c.*2G>A

Gene: MARVELD2 (MARVEL domain containing 2; plus strand). Cytogenetic location: 5q13.2.
Variant type: single nucleotide variant.
Coding change: c.*2G>A on transcript NM_001038603.3 (MANE Select); 2 bases downstream of the stop codon, G replaced by A.
Molecular consequence: 3 prime UTR variant.
Genome position (GRCh38, 1-based): chr5:69,441,656, G>A. VCF-style: chr5-69441656-G-A. GRCh37 (hg19) VCF-style: chr5-68737483-G-A.
Other names: c.*2G>A (NM_001244734.2).
Identifiers: ClinVar variation 517529 (VCV000517529.9), dbSNP rs530892254, ClinGen allele CA3294332.